The following is an entry in ClinVar:

ClinVar aggregate classification (germline): Pathogenic. Review status: reviewed by expert panel (3 of 4 stars). 10 submissions from 10 submitters: Pathogenic (1). 9 of the submissions do not count toward it. Last evaluated 2016-09-08.

Conditions:
Hereditary cancer-predisposing syndrome. Also called: Neoplastic Syndromes, Hereditary; Tumor predisposition; Hereditary neoplastic syndrome; Hereditary Cancer Syndrome. Identifiers: Orphanet 140162, MedGen C0027672, MeSH D009386, MONDO:0015356.
Hereditary breast ovarian cancer syndrome. Also called: BRCA1- and BRCA2-Associated Hereditary Breast and Ovarian Cancer; Hereditary breast and/or ovarian cancer syndrome; Hereditary breast and ovarian cancer syndrome; Hereditary breast and ovarian cancer syndrome (HBOC); Hereditary breast and ovarian cancer; Breast and ovarian cancer. Identifiers: Orphanet 145, MedGen C0677776, MeSH D061325, MONDO:0003582. Disease mechanism: loss of function.
Inherited breast cancer and ovarian cancer.
Breast-ovarian cancer, familial, susceptibility to, 1 (BROVCA1). Also called: BRCA1 Hereditary Breast and Ovarian Cancer; OVARIAN CANCER, SUSCEPTIBILITY TO. Identifiers: Orphanet 145, MedGen C2676676, MONDO:0011450, OMIM 604370. Disease mechanism: loss of function.

Allele frequency attached by ClinVar (database versions not stated): gnomAD exomes below 0.00001; TOPMed 0.00001.

Submissions (10):

Evidence-based Network for the Interpretation of Germline Mutant Alleles (ENIGMA)
Classification: Pathogenic for Breast-ovarian cancer, familial, susceptibility to, 1. Last evaluated: 2016-09-08. Review status: reviewed by expert panel. Criteria: ENIGMA BRCA1/2 Classification Criteria (2015). Collection method: curation. Allele origin: germline.
Comment: Variant allele predicted to encode a truncated non-functional protein.

Genetics Laboratory, Great Ormond Street Hospital NHS Foundation Trust, North Thames Genomic Laboratory Hub
Classification: Pathogenic for Inherited breast cancer and ovarian cancer. Last evaluated: 2026-08-11. Review status: criteria provided, single submitter. Criteria: CanVIG BRCA Gene Specific V1.22. Collection method: clinical testing. Allele origin: germline. Affected: yes. Not counted in ClinVar's aggregate classification.
Comment: PS4_supporting, PM2_moderate, PVS1_very-strong, PM5_strong

Labcorp Genetics (formerly Invitae), Labcorp
Classification: Pathogenic for Hereditary breast ovarian cancer syndrome. Last evaluated: 2025-10-05. Review status: criteria provided, single submitter. Criteria: Invitae Variant Classification Sherloc (09022015). Collection method: clinical testing. Allele origin: germline. Not counted in ClinVar's aggregate classification.
Comment: This sequence change creates a premature translational stop signal (p.Asp1582Alafs*19) in the BRCA1 gene. It is expected to result in an absent or disrupted protein product. Loss-of-function variants in BRCA1 are known to be pathogenic (PMID: 20104584). This variant is present in population databases (rs80357907, gnomAD 0.0009%). This premature translational stop signal has been observed in individual(s) with breast cancer (PMID: 17574839). This variant is also known as 4864delA. ClinVar contains an entry for this variant (Variation ID: 55278). For these reasons, this variant has been classified as Pathogenic.

Center for Genomic Medicine, Rigshospitalet, Copenhagen University Hospital
Classification: Pathogenic. Last evaluated: 2025-03-04. Review status: criteria provided, single submitter. Criteria: ACMG Guidelines, 2015. Collection method: clinical testing. Allele origin: germline. Not counted in ClinVar's aggregate classification.

Ambry Genetics
Classification: Pathogenic for Hereditary cancer-predisposing syndrome. Last evaluated: 2023-07-12. Review status: criteria provided, single submitter. Criteria: Ambry Variant Classification Scheme 2023. Collection method: clinical testing. Allele origin: germline. Not counted in ClinVar's aggregate classification.
Comment: The c.4745delA pathogenic mutation, located in coding exon 14 of the BRCA1 gene, results from a deletion of one nucleotide at nucleotide position 4745, causing a translational frameshift with a predicted alternate stop codon (p.D1582Afs*19). In one study, this alteration was observed in 42 individuals from 6 Norwegian families undergoing testing given a personal and/or family history of HBOC-related cancers (M&oslash;ller P et al. Eur J Cancer, 2007 Jul;43:1713-7). Of note, this alteration is also designated as 4864delA in the published literature. In addition to the clinical data presented in the literature, this alteration is expected to result in loss of function by premature protein truncation or nonsense-mediated mRNA decay. As such, this alteration is interpreted as a disease-causing mutation.

Laboratory for Molecular Medicine, Mass General Brigham Personalized Medicine
Classification: Pathogenic for Hereditary breast ovarian cancer syndrome. Last evaluated: 2021-07-15. Review status: criteria provided, single submitter. Criteria: ACMG Guidelines, 2015. Collection method: clinical testing. Allele origin: germline. Not counted in ClinVar's aggregate classification.
Comment: The p.Asp1582AlafsX19 variant in BRCA1 has been reported in >20 individuals with breast and ovarian cancer (HBOC; Breast Cancer Information Core (BIC) database:, Oslo University Hospital: ClinVar SCV000564331.1) and was absent from large population studies. This variant is predicted to cause a frameshift, which alters the protein’s amino acid sequence beginning at position 1582 and leads to a premature termination codon 19 amino acids downstream. This alteration is then predicted to lead to a truncated or absent protein. Heterozygous loss of function of the BRCA1 gene is an established disease mechanism for HBOC. Additionally, this variant was classified as pathogenic on Sep 08, 2016 by the ClinGen-approved ENIGMA expert panel (ClinVar SCV000300157.2). In summary, this variant meets criteria to be classified as pathogenic for autosomal dominant HBOC. ACMG/AMP criteria applied: PVS1, PS4, PM2_Supporting.

Department of Medical Genetics, Oslo University Hospital
Classification: Pathogenic for Breast-ovarian cancer, familial, susceptibility to, 1. Last evaluated: 2015-07-01. Review status: criteria provided, single submitter. Criteria: ACMG Guidelines, 2015. Collection method: clinical testing. Allele origin: germline. Affected: yes. Observed: 78 variant alleles. Not counted in ClinVar's aggregate classification.

BRCAlab, Lund University
Classification: Pathogenic for Breast-ovarian cancer, familial, susceptibility to, 1. Last evaluated: 2022-08-26. Review status: no assertion criteria provided. Collection method: clinical testing. Allele origin: germline. Affected: yes. Not counted in ClinVar's aggregate classification.

Research Molecular Genetics Laboratory, Women's College Hospital, University of Toronto
Classification: Pathogenic for Hereditary breast ovarian cancer syndrome. Last evaluated: 2014-01-31. Review status: no assertion criteria provided. Collection method: research. Allele origin: germline. Affected: yes. Study: The Canadian Open Genetics Repository (COGR). Not counted in ClinVar's aggregate classification.

Breast Cancer Information Core (BIC) (BRCA1)
Classification: Pathogenic for Breast-ovarian cancer, familial 1. Last evaluated: 1999-06-21. Review status: no assertion criteria provided. Collection method: clinical testing. Allele origin: germline. Affected: yes. Observed: 3 variant alleles. Not counted in ClinVar's aggregate classification.

Literature cited by the submitters: PubMed 20104584 (cited by Labcorp Genetics (formerly Invitae), Labcorp); PubMed 17574839 (cited by 3 submitters); PubMed 29339979 (cited by Center for Genomic Medicine, Rigshospitalet, Copenhagen University Hospital and Laboratory for Molecular Medicine, Mass General Brigham Personalized Medicine).

NM_007294.4(BRCA1):c.4745del (p.Asp1582fs)

Gene: BRCA1 (BRCA1 DNA repair associated; minus strand). Cytogenetic location: 17q21.31.
Variant type: Deletion.
Coding change: c.4745del on transcript NM_007294.4 (MANE Select); coding-DNA position 4745, one base deleted (A; older notation c.4745delA).
Protein change: p.Asp1582fs; shifts the reading frame from aspartic acid 1582.
Molecular consequence: frameshift variant. On other transcripts: non-coding transcript variant (1).
Genome position (GRCh38, 1-based): chr17:43,071,169, T deleted on the plus strand (A on the coding strand, the reverse complement: BRCA1 is on the minus strand). VCF-style (leftmost placement, unchanged base first): chr17-43071168-GT-G. GRCh37 (hg19) VCF-style: chr17-41223185-GT-G.
Other names: 4864delA; c.1310delA, p.Asp437Alafs (NM_001408433.1, NM_001408434.1, NM_001408435.1 and 10 more transcripts); c.1307delA, p.Asp436Alafs (NM_001408445.1, NM_001408446.1, NM_001408447.1 and 2 more transcripts); c.1301delA, p.Asp434Alafs (NM_001408451.1); c.1295delA, p.Asp432Alafs (NM_001408452.1, NM_001408453.1, NM_001408454.1 and 3 more transcripts); c.1292delA, p.Asp431Alafs (NM_001408458.1, NM_001408459.1, NM_001408460.1 and 7 more transcripts); c.1289delA, p.Asp430Alafs (NM_001408468.1, NM_001408469.1, NM_001408470.1); c.1433delA, p.Asp478Alafs (NM_001408472.1, NM_007298.4, NM_007304.2 and 12 more transcripts); and 74 more; short protein forms D1582fs, D1535fs, D1603fs, D478fs.
Identifiers: ClinVar variation 55278 (VCV000055278.34), dbSNP rs80357907, ClinGen allele CA003003.